The following is an entry in ClinVar:

ClinVar aggregate classification (germline): Conflicting classifications of pathogenicity. Review status: criteria provided, conflicting classifications (1 of 4 stars). 3 submissions from 3 submitters: Uncertain significance (2); Likely benign (1). Last evaluated 2025-03-03.

Conditions:
Inborn genetic diseases. Identifiers: MedGen C0950123, MeSH D030342.
Cohen syndrome (COH1). Also called: PEPPER SYNDROME; Cutis verticis gyrata, retinitis pigmentosa, and sensorineural deafness. Identifiers: Orphanet 193, MedGen C0265223, MONDO:0008999, OMIM 216550.

Allele frequency attached by ClinVar (database versions not stated): gnomAD 0.00001 and 0.00002; gnomAD exomes 0.00001; TOPMed 0.00001.
gnomAD v4.1: 7 of 1,613,128 alleles (0.00043%); highest among the groups gnomAD compares: Admixed American, 0.0067%; no homozygotes.

Submissions (3):

Labcorp Genetics (formerly Invitae), Labcorp
Classification: Uncertain significance for Cohen syndrome. Last evaluated: 2025-03-03. Review status: criteria provided, single submitter. Criteria: Invitae Variant Classification Sherloc (09022015). Collection method: clinical testing. Allele origin: germline.
Comment: This sequence change replaces valine, which is neutral and non-polar, with leucine, which is neutral and non-polar, at codon 1655 of the VPS13B protein (p.Val1655Leu). This variant is not present in population databases (gnomAD no frequency). This variant has not been reported in the literature in individuals affected with VPS13B-related conditions. ClinVar contains an entry for this variant (Variation ID: 1405172). Invitae Evidence Modeling of protein sequence and biophysical properties (such as structural, functional, and spatial information, amino acid conservation, physicochemical variation, residue mobility, and thermodynamic stability) indicates that this missense variant is not expected to disrupt VPS13B protein function with a negative predictive value of 80%. In summary, the available evidence is currently insufficient to determine the role of this variant in disease. Therefore, it has been classified as a Variant of Uncertain Significance.

Ambry Genetics
Classification: Likely benign for Inborn genetic diseases. Last evaluated: 2025-01-31. Review status: criteria provided, single submitter. Criteria: Ambry Variant Classification Scheme 2023. Collection method: clinical testing. Allele origin: germline.

Fulgent Genetics
Classification: Uncertain significance for Cohen syndrome. Last evaluated: 2022-01-18. Review status: criteria provided, single submitter. Criteria: ACMG Guidelines, 2015. Collection method: clinical testing. Allele origin: unknown.

NM_152564.5(VPS13B):c.4888G>T (p.Val1630Leu)

Gene: VPS13B (vacuolar protein sorting 13 homolog B; plus strand). Cytogenetic location: 8q22.2.
Variant type: single nucleotide variant.
Coding change: c.4888G>T on transcript NM_152564.5 (MANE Select); coding-DNA position 4888, G replaced by T.
Protein change: p.Val1630Leu; replaces valine 1630 with leucine.
Molecular consequence: missense variant.
Genome position (GRCh38, 1-based): chr8:99,556,592, G>T. VCF-style: chr8-99556592-G-T. GRCh37 (hg19) VCF-style: chr8-100568820-G-T.
Other names: c.4963G>T (NM_017890.3); c.4963G>T, p.Val1655Leu (NM_017890.5); short protein forms V1655L, V1630L.
Identifiers: ClinVar variation 1405172 (VCV001405172.6), dbSNP rs1824580005, ClinGen allele CA371869534.